The following is an entry in ClinVar:

ClinVar aggregate classification (germline): Uncertain significance (1 of 4 stars; one submission).

Conditions:
Tetralogy of Fallot (TOF). Identifiers: Orphanet 3303, MedGen C0039685, MONDO:0008542, OMIM 187500, HP:0001636.
Charcot-Marie-Tooth disease, axonal, Type 2HH. Also called: CHARCOT-MARIE-TOOTH NEUROPATHY, TYPE 2HH. Identifiers: MedGen C5562003, MONDO:0030458, OMIM 619574.
Deafness, congenital heart defects, and posterior embryotoxon (DCHE). Identifiers: MedGen C1866053, MONDO:0060713, OMIM 617992.
Alagille syndrome due to a JAG1 point mutation. Also called: HEPATIC DUCTULAR HYPOPLASIA, SYNDROMATIC; JAG1-Related Alagille Syndrome; Alagille Syndrome 1. Identifiers: Orphanet 261619, Orphanet 52, MedGen C1956125, MONDO:0016862, OMIM 118450.

Submission:

Juno Genomics, Hangzhou Juno Genomics, Inc
Classification: Uncertain significance for Deafness, congenital heart defects, and posterior embryotoxon; Alagille syndrome due to a JAG1 point mutation; Charcot-Marie-Tooth disease, axonal, Type 2HH; Tetralogy of Fallot. Review status: criteria provided, single submitter. Criteria: ACMG Guidelines, 2015. Collection method: clinical testing. Allele origin: germline.
Comment: Absent from controls (or at extremely low frequency if recessive) in Genome Aggregation Database.;Multiple lines of computational evidence support a deleterious effect on the gene or gene product.;Missense variant in a gene that has a low rate of benign missense variation.

NM_000214.3(JAG1):c.1052G>A (p.Cys351Tyr)

Gene: JAG1 (jagged canonical Notch ligand 1; minus strand). Cytogenetic location: 20p12.2.
Variant type: single nucleotide variant.
Coding change: c.1052G>A on transcript NM_000214.3 (MANE Select); coding-DNA position 1052, G replaced by A.
Protein change: p.Cys351Tyr; replaces cysteine 351 with tyrosine.
Molecular consequence: missense variant.
Genome position (GRCh38, 1-based): chr20:10,651,649, C>T on the plus strand (G>A on the coding strand, the complement: JAG1 is on the minus strand). VCF-style: chr20-10651649-C-T. GRCh37 (hg19) VCF-style: chr20-10632297-C-T.
Other names: short protein forms C351Y.
Identifiers: ClinVar variation 5019552 (VCV005019552.2).
Genomic context (GRCh38, chr20:10,651,649, plus strand): 5'-CATGTGGGGCCGGTCCAGCCTGGGGAACACTCACACTCAAAGCCCAGGGAGGTCTCCTTA[C>T]AGCTGCCTCTGTTGTGACAGGGATCAGAGAGGCAGGCGTGCTCAGCTGCAAAAACCAGGA-3'
Protein context (NP_000205.1, residues 341-361): LSDPCHNRGS[Cys351Tyr]KETSLGFECE